The following is an entry in ClinVar:

NM_032119.4(ADGRV1):c.17914G>A (p.Ala5972Thr)

Gene: ADGRV1 (adhesion G protein-coupled receptor V1; plus strand). Cytogenetic location: 5q14.3.
Variant type: single nucleotide variant.
Coding change: c.17914G>A on transcript NM_032119.4 (MANE Select); coding-DNA position 17914, G replaced by A.
Protein change: p.Ala5972Thr; replaces alanine 5972 with threonine.
Molecular consequence: missense variant. On other transcripts: non-coding transcript variant (1).
Genome position (GRCh38, 1-based): chr5:90,965,472, G>A. VCF-style: chr5-90965472-G-A. GRCh37 (hg19) VCF-style: chr5-90261289-G-A.
Other names: c.17914G>A (NM_032119.3); short protein forms A5972T.
Identifiers: ClinVar variation 2985436 (VCV002985436.6), dbSNP rs771239507, ClinGen allele CA3342506.
Genomic context (GRCh38, chr5:90,965,472, plus strand): 5'-CAGATTCTGTTTCTGGCGTCTGCATACGCAAGTCCCCAACTCGCTGAGGAGAGCTGTTCA[G>A]CTATGGCTGCTGTCACACATTACCTGTATCTTTGCCAGTTTAGCTGGATGCTCATTCAGG-3'
Protein context (NP_115495.3, residues 5962-5982): SPQLAEESCS[Ala5972Thr]MAAVTHYLYL

ClinVar aggregate classification (germline): Conflicting classifications of pathogenicity. Review status: criteria provided, conflicting classifications (1 of 4 stars). 4 submissions from 4 submitters: Uncertain significance (3); Benign (1). Last evaluated 2026-03-10.

Conditions:
Inborn genetic diseases. Identifiers: MedGen C0950123, MeSH D030342.

Allele frequency attached by ClinVar (database versions not stated): gnomAD 0.00001; ExAC 0.00002; TOPMed 0.00003.
gnomAD v4.1: 7 of 1,613,738 alleles (0.00043%); highest among the groups gnomAD compares: East Asian, 0.011%; no homozygotes.

Submissions (4):

Women's Health and Genetics/Laboratory Corporation of America, LabCorp
Classification: Uncertain significance. Last evaluated: 2026-03-10. Review status: criteria provided, single submitter. Criteria: LabCorp Variant Classification Summary - May 2015. Collection method: clinical testing. Allele origin: germline.
Comment: Variant summary: ADGRV1 c.17914G>A (p.Ala5972Thr) results in a non-conservative amino acid change in the encoded protein sequence. Algorithms developed to predict the effect of missense changes on protein structure and function are either unavailable or do not agree on the potential impact of this missense change. The variant allele was found at a frequency of 2.4e-05 in 249154 control chromosomes. The available data on variant occurrences in the general population are insufficient to allow any conclusion about variant significance. To our knowledge, no occurrence of c.17914G>A in individuals affected with ADGRV1-related conditions and no experimental evidence demonstrating its impact on protein function have been reported. ClinVar contains an entry for this variant (Variation ID: 2985436). Based on the evidence outlined above, the variant was classified as uncertain significance.

Ambry Genetics
Classification: Uncertain significance for Inborn genetic diseases. Last evaluated: 2025-12-08. Review status: criteria provided, single submitter. Criteria: Ambry Variant Classification Scheme 2023. Collection method: clinical testing. Allele origin: germline.

Labcorp Genetics (formerly Invitae), Labcorp
Classification: Benign. Last evaluated: 2025-08-30. Review status: criteria provided, single submitter. Criteria: Invitae Variant Classification Sherloc (09022015). Collection method: clinical testing. Allele origin: germline.

GeneDx
Classification: Uncertain significance. Last evaluated: 2024-10-09. Review status: criteria provided, single submitter. Criteria: GeneDx Variant Classification Process June 2021. Collection method: clinical testing. Allele origin: germline. Affected: yes.
Comment: In silico analysis indicates that this missense variant does not alter protein structure/function; Has not been previously published as pathogenic or benign to our knowledge